The following is an entry in ClinVar:

ClinVar aggregate classification (germline): Uncertain significance. Review status: criteria provided, multiple submitters, no conflicts (2 of 4 stars). 2 submissions from 2 submitters: Uncertain significance (2). Last evaluated 2024-01-30.

gnomAD v4.1: 2 of 1,612,766 alleles (0.00012%); highest among the groups gnomAD compares: Non-Finnish European, 0.00017%; no homozygotes.

Submissions (2):

Ambry Genetics
Classification: Uncertain significance. Last evaluated: 2024-01-30. Review status: criteria provided, single submitter. Criteria: Ambry Variant Classification Scheme 2023. Collection method: clinical testing. Allele origin: germline.
Comment: The p.D413E variant (also known as c.1239C>G), located in coding exon 10 of the RECQL gene, results from a C to G substitution at nucleotide position 1239. The aspartic acid at codon 413 is replaced by glutamic acid, an amino acid with highly similar properties. This amino acid position is highly conserved in available vertebrate species. In addition, the in silico prediction for this alteration is inconclusive. Since supporting evidence is limited at this time, the clinical significance of this alteration remains unclear.

Labcorp Genetics (formerly Invitae), Labcorp
Classification: Uncertain significance. Last evaluated: 2019-07-31. Review status: criteria provided, single submitter. Criteria: Invitae Variant Classification Sherloc (09022015). Collection method: clinical testing. Allele origin: germline.
Comment: In summary, the available evidence is currently insufficient to determine the role of this variant in disease. Therefore, it has been classified as a Variant of Uncertain Significance. Algorithms developed to predict the effect of missense changes on protein structure and function are either unavailable or do not agree on the potential impact of this missense change (SIFT: "Tolerated"; PolyPhen-2: "Possibly Damaging"; Align-GVGD: "Class C0"). This variant has not been reported in the literature in individuals with RECQL-related conditions. This variant is present in population databases (rs749586645, ExAC 0.003%). This sequence change replaces aspartic acid with glutamic acid at codon 413 of the RECQL protein (p.Asp413Glu). The aspartic acid residue is moderately conserved and there is a small physicochemical difference between aspartic acid and glutamic acid.

NM_002907.4(RECQL):c.1239C>G (p.Asp413Glu)

Gene: RECQL (RecQ like helicase; minus strand). Cytogenetic location: 12p12.1.
Variant type: single nucleotide variant.
Coding change: c.1239C>G on transcript NM_002907.4 (MANE Select); coding-DNA position 1239, C replaced by G.
Protein change: p.Asp413Glu; replaces aspartic acid 413 with glutamic acid.
Molecular consequence: missense variant.
Genome position (GRCh38, 1-based): chr12:21,474,957, G>C on the plus strand (C>G on the coding strand, the complement: RECQL is on the minus strand). VCF-style: chr12-21474957-G-C. GRCh37 (hg19) VCF-style: chr12-21627891-G-C.
Other names: c.1239C>G, p.Asp413Glu (NM_032941.3); short protein forms D413E.
Identifiers: ClinVar variation 937372 (VCV000937372.12), dbSNP rs749586645, ClinGen allele CA6478810.
Genomic context (GRCh38, chr12:21,474,957, plus strand): 5'-TTCCATCACCACCATTGAACTTATTCTGAATATATCTCCAAAGCCGTAGTACAAAATACA[G>C]TCTGCTTTCATGTCATCTCGACCTGTGGTGTGAGAAACCTTGAGATTGCAGAATTACATT-3'
Protein context (NP_002898.2, residues 403-423): GRAGRDDMKA[Asp413Glu]CILYYGFGDI